The following is an entry in ClinVar:

NM_017534.6(MYH2):c.3214A>T (p.Ile1072Leu)

Genes: MYH2 (myosin heavy chain 2; minus strand), MYHAS (myosin heavy chain gene cluster antisense RNA; plus strand). Cytogenetic location: 17p13.1.
Variant type: single nucleotide variant.
Coding change: c.3214A>T on transcript NM_017534.6 (MANE Select); coding-DNA position 3214, A replaced by T.
Protein change: p.Ile1072Leu; replaces isoleucine 1072 with leucine.
Molecular consequence: missense variant.
Genome position (GRCh38, 1-based): chr17:10,529,385, T>A on the plus strand (A>T on the coding strand, the complement: MYH2 is on the minus strand). VCF-style: chr17-10529385-T-A. GRCh37 (hg19) VCF-style: chr17-10432702-T-A.
Other names: c.3214A>T, p.Ile1072Leu (NM_001100112.2); short protein forms I1072L.
Identifiers: ClinVar variation 1010386 (VCV001010386.5), dbSNP rs2073396485, ClinGen allele CA398138294.

ClinVar aggregate classification (germline): Uncertain significance (1 of 4 stars; one submission).

Conditions:
Myopathy, proximal, and ophthalmoplegia (CMYO6). Also called: INCLUSION BODY MYOPATHY 3, AUTOSOMAL DOMINANT; CONGENITAL MYOPATHY 6 WITH OPHTHALMOPLEGIA; MYOPATHY WITH CONGENITAL JOINT CONTRACTURES, OPHTHALMOPLEGIA, AND RIMMED VACUOLES. Identifiers: Orphanet 363677, Orphanet 79091, MedGen C1854106, MONDO:0011577, OMIM 605637.

Allele frequency attached by ClinVar (database versions not stated): gnomAD 0.00001.
gnomAD v4.1: 8 of 1,614,082 alleles (0.0005%); highest among the groups gnomAD compares: Admixed American, 0.0017%; no homozygotes.

Submission:

Labcorp Genetics (formerly Invitae), Labcorp
Classification: Uncertain significance for Myopathy, proximal, and ophthalmoplegia. Last evaluated: 2022-11-29. Review status: criteria provided, single submitter. Criteria: Invitae Variant Classification Sherloc (09022015). Collection method: clinical testing. Allele origin: germline.
Comment: This sequence change replaces isoleucine, which is neutral and non-polar, with leucine, which is neutral and non-polar, at codon 1072 of the MYH2 protein (p.Ile1072Leu). This variant is not present in population databases (gnomAD no frequency). This variant has not been reported in the literature in individuals affected with MYH2-related conditions. ClinVar contains an entry for this variant (Variation ID: 1010386). Advanced modeling of protein sequence and biophysical properties (such as structural, functional, and spatial information, amino acid conservation, physicochemical variation, residue mobility, and thermodynamic stability) performed at Invitae indicates that this missense variant is not expected to disrupt MYH2 protein function. In summary, the available evidence is currently insufficient to determine the role of this variant in disease. Therefore, it has been classified as a Variant of Uncertain Significance.